The following is an entry in ClinVar:

ClinVar aggregate classification (germline): Uncertain significance (1 of 4 stars; one submission).

gnomAD v4.1: 80 of 1,569,824 alleles (0.0051%); highest among the groups gnomAD compares: Non-Finnish European, 0.0062%; no homozygotes.

Submission:

Labcorp Genetics (formerly Invitae), Labcorp
Classification: Uncertain significance. Last evaluated: 2026-01-12. Review status: criteria provided, single submitter. Criteria: Invitae Variant Classification Sherloc (09022015). Collection method: clinical testing. Allele origin: germline.
Comment: This sequence change falls in intron 4 of the BICC1 gene. It does not directly change the encoded amino acid sequence of the BICC1 protein. It affects a nucleotide within the consensus splice site. This variant is present in population databases (rs779430475, gnomAD 0.005%). This variant has not been reported in the literature in individuals affected with BICC1-related conditions. Variants that disrupt the consensus splice site are a relatively common cause of aberrant splicing (PMID: 17576681, 9536098). Algorithms developed to predict the effect of sequence changes on RNA splicing suggest that this variant is not likely to affect RNA splicing. In summary, the available evidence is currently insufficient to determine the role of this variant in disease. Therefore, it has been classified as a Variant of Uncertain Significance.

Literature cited by the submitters: PubMed 17576681; PubMed 9536098.

NM_001080512.3(BICC1):c.388-3T>C

Gene: BICC1 (BicC family RNA binding protein 1; plus strand). Cytogenetic location: 10q21.1.
Variant type: single nucleotide variant.
Coding change: c.388-3T>C on transcript NM_001080512.3 (MANE Select); 3 bases into the intron before coding-DNA position 388, T replaced by C.
Molecular consequence: intron variant.
Genome position (GRCh38, 1-based): chr10:58,786,920, T>C. VCF-style: chr10-58786920-T-C. GRCh37 (hg19) VCF-style: chr10-60546680-T-C.
Identifiers: ClinVar variation 4749933 (VCV004749933.1).
Genomic context (GRCh38, chr10:58,786,920, plus strand): 5'-ACATTTAGGAGGTCATTCTTTCCTTTTGCATACATCAAGTAATAATACATTATTTTCACA[T>C]AGAGCAATCGAGTCACACTGAAGATGGATGTTTCACATACAGAACATTCACATGTAATCG-3'